The following is an entry in ClinVar:

NM_004380.3(CREBBP):c.1755C>T (p.Ser585=)

Gene: CREBBP (CREB binding lysine acetyltransferase; minus strand). Cytogenetic location: 16p13.3.
Variant type: single nucleotide variant.
Coding change: c.1755C>T on transcript NM_004380.3 (MANE Select); coding-DNA position 1755, C replaced by T.
Protein change: p.Ser585=; no amino-acid change (serine 585 retained).
Molecular consequence: synonymous variant.
Genome position (GRCh38, 1-based): chr16:3,780,800, G>A on the plus strand (C>T on the coding strand, the complement: CREBBP is on the minus strand). VCF-style: chr16-3780800-G-A. GRCh37 (hg19) VCF-style: chr16-3830801-G-A.
Other names: c.1641C>T, p.Ser547= (NM_001079846.1).
Identifiers: ClinVar variation 3354962 (VCV003354962.12).

ClinVar aggregate classification (germline): Likely benign. Review status: criteria provided, multiple submitters, no conflicts (2 of 4 stars). 3 submissions from 3 submitters: Likely benign (2). 1 of the submissions does not count toward it. Last evaluated 2025-06-01.

Conditions:
CREBBP-related disorder. Also called: CREBBP-related condition; CREBBP-related disorders.

gnomAD v4.1: 13 of 1,613,934 alleles (0.00081%); highest among the groups gnomAD compares: African/African-American, 0.016%; no homozygotes.

Submissions (3):

CeGaT Center for Human Genetics Tuebingen
Classification: Likely benign. Last evaluated: 2025-06-01. Review status: criteria provided, single submitter. Criteria: CeGaT Center For Human Genetics Tuebingen Variant Classification Criteria Version 2. Collection method: clinical testing. Allele origin: germline. Affected: yes. Observed: 1 variant allele.
Comment: CREBBP: BP4, BP7

Blueprint Genetics
Classification: Likely benign. Last evaluated: 2022-10-28. Review status: criteria provided, single submitter. Criteria: ACMG Guidelines, 2015. Collection method: clinical testing. Allele origin: germline.

PreventionGenetics, part of Exact Sciences
Classification: Likely benign for CREBBP-related condition. Last evaluated: 2023-02-03. Review status: no assertion criteria provided. Collection method: clinical testing. Allele origin: germline. Not counted in ClinVar's aggregate classification.
Comment: This variant is classified as likely benign based on ACMG/AMP sequence variant interpretation guidelines (Richards et al. 2015 PMID: 25741868, with internal and published modifications).